The following is an entry in ClinVar:

NM_002693.3(POLG):c.2218_2220del (p.Asn740del)

Gene: POLG (DNA polymerase gamma, catalytic subunit; minus strand). Cytogenetic location: 15q26.1.
Variant type: Deletion.
Coding change: c.2218_2220del on transcript NM_002693.3 (MANE Select); coding-DNA positions 2218 to 2220, 3 bases deleted (AAC; older notation c.2218_2220delAAC).
Protein change: p.Asn740del; deletes asparagine 740.
Molecular consequence: inframe deletion.
Genome position (GRCh38, 1-based): chr15:89,323,449-89,323,451, GTT deleted on the plus strand (AAC on the coding strand, the reverse complement: POLG is on the minus strand); deleting any 3 consecutive bases within chr15:89,323,449-89,323,453 gives the same sequence; the c. name uses the placement nearest the transcript's 3' end. VCF-style (leftmost placement, unchanged base first): chr15-89323448-CGTT-C. GRCh37 (hg19) VCF-style: chr15-89866679-CGTT-C.
Other names: c.2218_2220del, p.Asn740del (NM_001126131.2); short protein forms N740del.
Identifiers: ClinVar variation 2975025 (VCV002975025.5), dbSNP rs1310041785, ClinGen allele CA716887208.

ClinVar aggregate classification (germline): Uncertain significance. Review status: criteria provided, multiple submitters, no conflicts (2 of 4 stars). 2 submissions from 2 submitters: Uncertain significance (2). Last evaluated 2023-10-14.

Conditions:
Sensory ataxic neuropathy, dysarthria, and ophthalmoparesis (SANDO). Also called: Sensory ataxic neuropathy-dysarthria-ophthalmoparesis syndrome; SENSORY ATAXIC NEUROPATHY WITH MITOCHONDRIAL DNA DELETIONS, AUTOSOMAL RECESSIVE; Ataxia Neuropathy Spectrum (ANS); Epilepsy, progressive myoclonic, type 5. Identifiers: Orphanet 70595, MedGen C1843851, MONDO:0011835, OMIM 607459.
Progressive external ophthalmoplegia with mitochondrial DNA deletions, autosomal recessive 1 (PEOB1). Also called: Progressive external ophthalmoplegia, autosomal recessive 1; Autosomal Recessive Progressive External Ophthalmoplegia (arPEO). Identifiers: Orphanet 254886, MedGen C4225153, MONDO:0009783, OMIM 258450.
Progressive external ophthalmoplegia with mitochondrial DNA deletions, autosomal dominant 1 (PEOA1). Also called: Autosomal Dominant Progressive External Ophthalmoplegia (adPEO); PROGRESSIVE EXTERNAL OPHTHALMOPLEGIA, AUTOSOMAL DOMINANT 1. Identifiers: MedGen C1834846, MONDO:0024528, OMIM 157640.
Progressive sclerosing poliodystrophy (MTDPS4A). Also called: Mitochondrial DNA Depletion Syndrome 4A; ALPERS PROGRESSIVE INFANTILE POLIODYSTROPHY; NEURONAL DEGENERATION OF CHILDHOOD WITH LIVER DISEASE, PROGRESSIVE; Mitochondrial DNA depletion syndrome 4A (Alpers type); Alpers Syndrome; ALPERS DIFFUSE DEGENERATION OF CEREBRAL GRAY MATTER WITH HEPATIC CIRRHOSIS. Identifiers: Orphanet 726, MedGen C0205710, MONDO:0008758, OMIM 203700.
Mitochondrial DNA depletion syndrome 4b. Also called: Mitochondrial Neurogastrointestinal Encephalopathy Disease, POLG-Related; MNGIE, POLG-RELATED. Identifiers: Orphanet 298, MedGen C3150914, MONDO:0013350, OMIM 613662.

Submissions (2):

Labcorp Genetics (formerly Invitae), Labcorp
Classification: Uncertain significance for Progressive sclerosing poliodystrophy. Last evaluated: 2023-10-14. Review status: criteria provided, single submitter. Criteria: Invitae Variant Classification Sherloc (09022015). Collection method: clinical testing. Allele origin: germline.
Comment: This variant, c.2218_2220del, results in the deletion of 1 amino acid(s) of the POLG protein (p.Asn740del), but otherwise preserves the integrity of the reading frame. This variant is not present in population databases (gnomAD no frequency). This variant has not been reported in the literature in individuals affected with POLG-related conditions. Experimental studies and prediction algorithms are not available or were not evaluated, and the functional significance of this variant is currently unknown. In summary, the available evidence is currently insufficient to determine the role of this variant in disease. Therefore, it has been classified as a Variant of Uncertain Significance.

Juno Genomics, Hangzhou Juno Genomics, Inc
Classification: Uncertain significance for Progressive sclerosing poliodystrophy; Sensory ataxic neuropathy, dysarthria, and ophthalmoparesis; Mitochondrial DNA depletion syndrome 4b; Progressive external ophthalmoplegia with mitochondrial DNA deletions, autosomal dominant 1; Progressive external ophthalmoplegia with mitochondrial DNA deletions, autosomal recessive 1. Review status: criteria provided, single submitter. Criteria: ACMG Guidelines, 2015. Collection method: clinical testing. Allele origin: germline. Affected: yes.
Comment: Absent from controls (or at extremely low frequency if recessive) in Genome Aggregation Database, Exome Sequencing Project, 1000 Genomes Project, or Exome Aggregation Consortium.;Protein length changes due to in-frame deletions/insertions in a non-repeat region or stop-loss variants.;For recessive disorders, detected in trans with a pathogenic variant.